The following is an entry in ClinVar:

NM_004722.4(AP4M1):c.1179C>T (p.Leu393=)

Gene: AP4M1 (adaptor related protein complex 4 subunit mu 1; plus strand). Cytogenetic location: 7q22.1.
Variant type: single nucleotide variant.
Coding change: c.1179C>T on transcript NM_004722.4 (MANE Select); coding-DNA position 1179, C replaced by T.
Protein change: p.Leu393=; no amino-acid change (leucine 393 retained).
Molecular consequence: synonymous variant.
Genome position (GRCh38, 1-based): chr7:100,106,699, C>T. VCF-style: chr7-100106699-C-T. GRCh37 (hg19) VCF-style: chr7-99704322-C-T.
Other names: c.1200C>T, p.Leu400= (NM_001363671.2).
Identifiers: ClinVar variation 2583051 (VCV002583051.25), dbSNP rs2546963641, ClinGen allele CA456882426.

ClinVar aggregate classification (germline): Likely benign (1 of 4 stars; one submission).

Submission:

CeGaT Center for Human Genetics Tuebingen
Classification: Likely benign. Last evaluated: 2023-09-01. Review status: criteria provided, single submitter. Criteria: CeGaT Center For Human Genetics Tuebingen Variant Classification Criteria Version 2. Collection method: clinical testing. Allele origin: germline. Affected: yes. Observed: 1 variant allele.
Comment: AP4M1: PM2:Supporting, BP4, BP7